The following is an entry in ClinVar:

ClinVar aggregate classification (germline): Benign/Likely benign. Review status: criteria provided, multiple submitters, no conflicts (2 of 4 stars). 4 submissions from 4 submitters: Benign (1); Likely benign (3). Last evaluated 2025-09-20.

Conditions:
Oligodontia-cancer predisposition syndrome. Also called: TOOTH AGENESIS-COLORECTAL CANCER SYNDROME. Identifiers: Orphanet 300576, MedGen C1837750, MONDO:0012075, OMIM 608615. Disease mechanism: loss of function.
Hereditary cancer-predisposing syndrome. Also called: Hereditary neoplastic syndrome; Neoplastic Syndromes, Hereditary; Tumor predisposition; Hereditary Cancer Syndrome. Identifiers: Orphanet 140162, MedGen C0027672, MeSH D009386, MONDO:0015356.

Allele frequency attached by ClinVar (database versions not stated): TOPMed 0.00001.

Submissions (4):

Labcorp Genetics (formerly Invitae), Labcorp
Classification: Likely benign for Oligodontia-cancer predisposition syndrome. Last evaluated: 2025-09-20. Review status: criteria provided, single submitter. Criteria: Invitae Variant Classification Sherloc (09022015). Collection method: clinical testing. Allele origin: germline.

Center for Genomic Medicine, Rigshospitalet, Copenhagen University Hospital
Classification: Likely benign. Last evaluated: 2025-03-04. Review status: criteria provided, single submitter. Criteria: ACMG Guidelines, 2015. Collection method: clinical testing. Allele origin: germline.

Myriad Genetics, Inc.
Classification: Benign for Oligodontia-cancer predisposition syndrome. Last evaluated: 2024-06-27. Review status: criteria provided, single submitter. Criteria: Myriad Autosomal Dominant, Autosomal Recessive and X-Linked Classification Criteria (2023). Collection method: clinical testing. Allele origin: unknown.
Comment: This variant is considered benign. This variant is a silent/synonymous amino acid change and it is not expected to impact splicing.

Ambry Genetics
Classification: Likely benign for Hereditary cancer-predisposing syndrome. Last evaluated: 2021-11-23. Review status: criteria provided, single submitter. Criteria: Ambry Variant Classification Scheme 2023. Collection method: clinical testing. Allele origin: germline.

NM_004655.4(AXIN2):c.696G>A (p.Glu232=)

Gene: AXIN2 (axin 2; minus strand). Cytogenetic location: 17q24.1.
Variant type: single nucleotide variant.
Coding change: c.696G>A on transcript NM_004655.4 (MANE Select); coding-DNA position 696, G replaced by A.
Protein change: p.Glu232=; no amino-acid change (glutamic acid 232 retained).
Molecular consequence: synonymous variant.
Genome position (GRCh38, 1-based): chr17:65,557,925, C>T on the plus strand (G>A on the coding strand, the complement: AXIN2 is on the minus strand). VCF-style: chr17-65557925-C-T. GRCh37 (hg19) VCF-style: chr17-63554043-C-T.
Other names: c.696G>A, p.Glu232= (NM_001363813.1); c.696G>A (LRG_296t1).
Identifiers: ClinVar variation 533253 (VCV000533253.14), dbSNP rs1468926589, ClinGen allele CA501691392.
Genomic context (GRCh38, chr17:65,557,925, plus strand): 5'-GCTGGACAAGCCAACCACGGTTGGCGAAAGTTTGCACTTGAAGTCGGCACAAGTCCACTC[C>T]TCTTCTTCATTCAAGGTGGGGAGATAGCCACACACGACCTTTAGGCTCCCGAGTCCCCCA-3'
Protein context (NP_004646.3, residues 222-242): CGYLPTLNEE[Glu232=]EWTCADFKCK